The following is an entry in ClinVar:

NM_005188.4(CBL):c.*7447A>G

Gene: CBL (Cbl proto-oncogene; plus strand). Cytogenetic location: 11q23.3.
Variant type: single nucleotide variant.
Coding change: c.*7447A>G on transcript NM_005188.4 (MANE Select); 7447 bases downstream of the stop codon, A replaced by G.
Molecular consequence: 3 prime UTR variant.
Genome position (GRCh38, 1-based): chr11:119,307,228, A>G. VCF-style: chr11-119307228-A-G. GRCh37 (hg19) VCF-style: chr11-119177938-A-G.
Identifiers: ClinVar variation 302901 (VCV000302901.6), dbSNP rs11217234, ClinGen allele CA10633737.

ClinVar aggregate classification (germline): Benign. Review status: criteria provided, multiple submitters, no conflicts (2 of 4 stars). 2 submissions from 2 submitters: Benign (2). Last evaluated 2018-01-13.

Conditions:
CBL-related disorder. Also called: NOONAN SYNDROME-LIKE DISORDER WITHOUT JUVENILE MYELOMONOCYTIC LEUKEMIA; CBL MUTATION-ASSOCIATED SYNDROME; CBL SYNDROME. Identifiers: Orphanet 363972, MedGen C3150803, MONDO:0013308, OMIM 613563.

Allele frequency attached by ClinVar (database versions not stated): 1000 Genomes Project 30x 0.22939; 1000 Genomes Project 0.23243; TOPMed 0.24354; gnomAD 0.24829 and 0.24836; gnomAD exomes 0.28665.
gnomAD v4.1: 60,564 of 232,024 alleles (26%); highest among the groups gnomAD compares: East Asian, 39%; 8,313 homozygotes.

Submissions (2):

Illumina Laboratory Services, Illumina
Classification: Benign for CBL-related disorder. Last evaluated: 2018-01-13. Review status: criteria provided, single submitter. Criteria: ICSL Variant Classification Criteria 13 December 2019. Collection method: clinical testing. Allele origin: germline.
Comment: This variant was observed in the ICSL laboratory as part of a predisposition screen in an ostensibly healthy population. It had not been previously curated by ICSL or reported in the Human Gene Mutation Database (HGMD: prior to June 1st, 2018), and was therefore a candidate for classification through an automated scoring system. Utilizing variant allele frequency, disease prevalence and penetrance estimates, and inheritance mode, an automated score was calculated to assess if this variant is too frequent to cause the disease. Based on the score and internal cut-off values, a variant classified as benign is not then subjected to further curation. The score for this variant resulted in a classification of benign for this disease.

Breakthrough Genomics
Classification: Benign. Review status: criteria provided, single submitter. Criteria: ACMG Guidelines, 2015. Collection method: not provided. Allele origin: germline. Inheritance: Autosomal dominant inheritance. Affected: yes.